The following is an entry in ClinVar:

ClinVar aggregate classification (germline): Conflicting classifications of pathogenicity. Review status: criteria provided, conflicting classifications (1 of 4 stars). 10 submissions from 10 submitters: Pathogenic (2); Likely pathogenic (4); Uncertain significance (3). 1 of the submissions does not count toward it. Last evaluated 2026-08-06.

Conditions:
USH2A-related disorder. Also called: USH2A-related condition; USH2A-related disorders. Identifiers: MedGen CN239332.
Usher syndrome. Also called: Usher Syndromes; Usher's syndrome. Identifiers: Orphanet 886, MedGen CN469326, MeSH D052245, MONDO:0019501. Disease mechanism: loss of function.
Retinitis pigmentosa 39 (RP39). Identifiers: Orphanet 791, MedGen C3151138, MONDO:0013436, OMIM 613809.
Usher syndrome type 2A. Also called: RETINAL DISEASE IN USHER SYNDROME TYPE IIA, MODIFIER OF; USHER SYNDROME, TYPE IIA. Identifiers: Orphanet 231178, Orphanet 886, MedGen C1848634, MONDO:0010169, OMIM 276901.

Allele frequency attached by ClinVar (database versions not stated): gnomAD exomes 0.00002; gnomAD 0.00001; TOPMed 0.00003; ESP Exome Variant Server 0.00008; ExAC 0.00002.
gnomAD v4.1: 19 of 1,612,224 alleles (0.0012%); highest among the groups gnomAD compares: Admixed American, 0.0033%; no homozygotes.

Submissions (10):

OLLIN Analises Genomicas, OLLIN
Classification: Likely pathogenic for Usher syndrome type 2A. Last evaluated: 2026-08-06. Review status: criteria provided, single submitter. Criteria: ACMG Guidelines 2015 PMID 25741868. Collection method: clinical testing. Allele origin: germline. Inheritance: Autosomal recessive inheritance.
Comment: This missense variant, located in exon 20 (of 72), has been reported in ClinVar (accession VCV002169958.4), in gnomAD with an allele frequency of 0.0012%, and in the scientific literature, segregating with the phenotype and in compound heterozygosity, in individuals with USH2A related disorders (PMID: 25649381, 32675063, 24154662). In silico analysis is inconclusive regarding the impact of this variant. According to the currently available evidence, this variant has been classified as likely pathogenic (PM2_P, PM3_S, PP1_M, PP4).

Women's Health and Genetics/Laboratory Corporation of America, LabCorp
Classification: Likely pathogenic for Usher syndrome. Last evaluated: 2026-05-04. Review status: criteria provided, single submitter. Criteria: LabCorp Variant Classification Summary - May 2015. Collection method: clinical testing. Allele origin: germline.
Comment: Variant summary: USH2A c.4378G>A (p.Gly1460Arg) results in a non-conservative amino acid change located in the Fibronectin type III domain (IPR003961) of the encoded protein sequence. Algorithms developed to predict the effect of missense changes on protein structure and function are either unavailable or do not agree on the potential impact of this missense change. The variant allele was found at a frequency of 1.6e-05 in 250642 control chromosomes. c.4378G>A has been observed in individuals affected with retinitis pigmentosa and inherited retinal disease (Wang_2014, Lenassi_2015, Zhu_2021, Midgley_2024). These data indicate that the variant is likely to be associated with disease. To our knowledge, no experimental evidence demonstrating an impact on protein function has been reported. The following publications have been ascertained in the context of this evaluation (PMID: 25649381, 39676705, 24154662, 32675063). ClinVar contains an entry for this variant (Variation ID: 178581). Based on the evidence outlined above, the variant was classified as likely pathogenic.

Natera, Inc.
Classification: Likely pathogenic for Usher syndrome type 2A. Last evaluated: 2026-01-22. Review status: criteria provided, single submitter. Criteria: Natera Variant Classification Schema (03/2026). Collection method: clinical testing. Allele origin: germline.
Comment: The c.4378G>A variant in USH2A is a missense variant predicted to cause substitution of glycine to arginine at amino acid 1460. This variant is rare in the general population with a frequency below the threshold expected for the associated phenotype(s). This variant has been observed in one or more individuals affected with the associated recessive disease, as either homozygous or compound heterozygous with a second variant (PMID: 25649381, 24154662). Additionally, this variant has been observed to segregate in affected family members (PMID: 24154662). Computational prediction algorithms indicate this variant is likely to affect gene or protein function. Given the available evidence, this variant is classified as Likely Pathogenic.

Labcorp Genetics (formerly Invitae), Labcorp
Classification: Pathogenic. Last evaluated: 2025-11-01. Review status: criteria provided, single submitter. Criteria: Invitae Variant Classification Sherloc (09022015). Collection method: clinical testing. Allele origin: germline.
Comment: This sequence change replaces glycine, which is neutral and non-polar, with arginine, which is basic and polar, at codon 1460 of the USH2A protein (p.Gly1460Arg). This variant is present in population databases (rs139311927, gnomAD 0.004%). This missense change has been observed in individual(s) with autosomal recessive inherited retinal dystrophy (PMID: 24154662, 25649381). In at least one individual the data is consistent with being in trans (on the opposite chromosome) from a pathogenic variant. It has also been observed to segregate with disease in related individuals. ClinVar contains an entry for this variant (Variation ID: 178581). Invitae Evidence Modeling of protein sequence and biophysical properties (such as structural, functional, and spatial information, amino acid conservation, physicochemical variation, residue mobility, and thermodynamic stability) has been performed for this missense variant. However, the output from this modeling did not meet the statistical confidence thresholds required to predict the impact of this variant on USH2A protein function. For these reasons, this variant has been classified as Pathogenic.

Blueprint Genetics
Classification: Pathogenic for USH2A-related disorders. Last evaluated: 2024-07-26. Review status: criteria provided, single submitter. Criteria: ACMG Guidelines, 2015. Collection method: clinical testing. Allele origin: germline. Affected: yes. Observed: 5 variant alleles.

Baylor Genetics
Classification: Likely pathogenic for Retinitis pigmentosa 39. Last evaluated: 2024-03-22. Review status: criteria provided, single submitter. Criteria: ACMG Guidelines, 2015. Collection method: clinical testing. Allele origin: unknown.

Ocular Genomics Institute, Massachusetts Eye and Ear
Classification: Uncertain significance for Retinitis pigmentosa 39. Last evaluated: 2021-04-08. Review status: criteria provided, single submitter. Criteria: ACMG Guidelines, 2015. Collection method: research. Allele origin: germline. Affected: yes.
Comment: Through a review of available evidence we were able to apply the following criteria: PM2, PM3. Based on this evidence we have classified this variant as Variant of Uncertain Significance.

Laboratory for Molecular Medicine, Mass General Brigham Personalized Medicine
Classification: Uncertain significance. Last evaluated: 2020-08-14. Review status: criteria provided, single submitter. Criteria: LMM Criteria. Collection method: clinical testing. Allele origin: germline. Observed: 3 variant alleles.
Comment: Variant classified as Uncertain Significance - Favor Pathogenic. The p.Gly1460Arg variant in USH2A has been reported in two individuals with isolated retinitis pigmentosa (Wang 2014 PMID 24154662, Lenassi 2015 PMID 25649381). In one individual, a second missense variant in USH2A was identified, and the two variants segregated with the isolated retinitis pigmentosa in one sibling (Wang 2014 PMID 24154662). In the remaining individual, a second truncating USH2A variant was also identified (Lenassi 2015 PMID 25649381). It has also been previously reported in the heterozygous state by our laboratory in two individuals with sensorineural hearing loss. This variant has also been identified in 0.004% (4/113294) of European chromosomes by gnomAD. Computational prediction tools and conservation analysis suggest that this variant may impact the protein, though this information is not predictive enough to determine pathogenicity. In summary, while there is some suspicion for a pathogenic role, the clinical significance of this variant is uncertain. ACMG/AMP Criteria applied: PM2, PP3, PP1, PM3_Supporting.

Fulgent Genetics
Classification: Uncertain significance for Usher syndrome type 2A; Retinitis pigmentosa 39. Last evaluated: 2018-10-31. Review status: criteria provided, single submitter. Criteria: ACMG Guidelines, 2015. Collection method: clinical testing. Allele origin: unknown.

PreventionGenetics, part of Exact Sciences
Classification: Likely pathogenic for USH2A-related condition. Last evaluated: 2024-09-11. Review status: no assertion criteria provided. Collection method: clinical testing. Allele origin: germline. Not counted in ClinVar's aggregate classification.
Comment: The USH2A c.4378G>A variant is predicted to result in the amino acid substitution p.Gly1460Arg. This variant has been reported along with a second variant in USH2A in individuals with retinitis pigmentosa (Wang et al. 2014. PubMed ID: 24154662; Lenassi et al. 2015. PubMed ID: 25649381; Qu et al. 2020. PubMed ID: 31904091). We have also observed this variant with a second USH2A variant in a number of patients with hearing loss or inherited retinal disease (PreventionGenetics internal data). This variant is reported in 0.0035% of alleles in individuals of European (Non-Finnish) descent in gnomAD. This variant is interpreted as likely pathogenic.

Literature cited by the submitters: PubMed 25649381 (cited by 5 submitters); PubMed 32675063 (cited by OLLIN Analises Genomicas, OLLIN and Women's Health and Genetics/Laboratory Corporation of America, LabCorp); PubMed 24154662 (cited by 5 submitters); PubMed 39676705 (cited by Women's Health and Genetics/Laboratory Corporation of America, LabCorp); PubMed 31904091 (cited by Laboratory for Molecular Medicine, Mass General Brigham Personalized Medicine).

NM_206933.4(USH2A):c.4378G>A (p.Gly1460Arg)

Gene: USH2A (usherin; minus strand). Cytogenetic location: 1q41.
Variant type: single nucleotide variant.
Coding change: c.4378G>A on transcript NM_206933.4 (MANE Select); coding-DNA position 4378, G replaced by A.
Protein change: p.Gly1460Arg; replaces glycine 1460 with arginine.
Molecular consequence: missense variant.
Genome position (GRCh38, 1-based): chr1:216,190,241, C>T on the plus strand (G>A on the coding strand, the complement: USH2A is on the minus strand). VCF-style: chr1-216190241-C-T. GRCh37 (hg19) VCF-style: chr1-216363583-C-T.
Other names: c.4378G>A, p.Gly1460Arg (NM_007123.6); short protein forms G1460R.
Identifiers: ClinVar variation 178581 (VCV000178581.22), dbSNP rs139311927, ClinGen allele CA182604.